The following is an entry in ClinVar:

NM_000782.5(CYP24A1):c.1020C>T (p.Tyr340=)

Gene: CYP24A1 (cytochrome P450 family 24 subfamily A member 1; minus strand). Cytogenetic location: 20q13.2.
Variant type: single nucleotide variant.
Coding change: c.1020C>T on transcript NM_000782.5 (MANE Select); coding-DNA position 1020, C replaced by T.
Protein change: p.Tyr340=; no amino-acid change (tyrosine 340 retained).
Molecular consequence: synonymous variant.
Genome position (GRCh38, 1-based): chr20:54,159,094, G>A on the plus strand (C>T on the coding strand, the complement: CYP24A1 is on the minus strand). VCF-style: chr20-54159094-G-A. GRCh37 (hg19) VCF-style: chr20-52775633-G-A.
Other names: c.1020C>T, p.Tyr340= (NM_001128915.2).
Identifiers: ClinVar variation 338819 (VCV000338819.9), dbSNP rs77764129, ClinGen allele CA9915915.
Genomic context (GRCh38, chr20:54,159,094, plus strand): 5'-TAATACACTTTGAATTTCCTTAAGAAGCTTTTGTTGCACTTGGGGATTACGGGATAAATT[G>A]TAGAGAATCCACATTAGACTGTTTGCTGTCTGCAAGCCAAATGGACATAAACTTGAGTTT-3'
Protein context (NP_000773.2, residues 330-350): TTANSLMWIL[Tyr340=]NLSRNPQVQQ

ClinVar aggregate classification (germline): Benign/Likely benign. Review status: criteria provided, multiple submitters, no conflicts (2 of 4 stars). 2 submissions from 2 submitters: Benign (1); Likely benign (1). Last evaluated 2023-03-23.

Conditions:
Hypercalcemia, infantile, 1 (HCINF1). Identifiers: Orphanet 300547, MedGen CN031131, MONDO:0020739, OMIM 143880.

Allele frequency attached by ClinVar (database versions not stated): TOPMed 0.00003; gnomAD 0.00004 and 0.00013; gnomAD exomes 0.00032; ExAC 0.00033; 1000 Genomes Project 30x 0.00109; 1000 Genomes Project 0.00140.
gnomAD v4.1: 472 of 1,613,952 alleles (0.029%); highest among the groups gnomAD compares: East Asian, 1%; 1 homozygote.

Submissions (2):

Labcorp Genetics (formerly Invitae), Labcorp
Classification: Benign. Last evaluated: 2023-03-23. Review status: criteria provided, single submitter. Criteria: Invitae Variant Classification Sherloc (09022015). Collection method: clinical testing. Allele origin: germline.

Illumina Laboratory Services, Illumina
Classification: Likely benign for Hypercalcemia, infantile, 1. Last evaluated: 2018-01-12. Review status: criteria provided, single submitter. Criteria: ICSL Variant Classification Criteria 13 December 2019. Collection method: clinical testing. Allele origin: germline.
Comment: This variant was observed in the ICSL laboratory as part of a predisposition screen in an ostensibly healthy population. It had not been previously curated by ICSL or reported in the Human Gene Mutation Database (HGMD: prior to June 1st, 2018), and was therefore a candidate for classification through an automated scoring system. Utilizing variant allele frequency, disease prevalence and penetrance estimates, and inheritance mode, an automated score was calculated to assess if this variant is too frequent to cause the disease. Based on the score and internal cut-off values, a variant classified as likely benign is not then subjected to further curation. The score for this variant resulted in a classification of likely benign for this disease.